The following is an entry in ClinVar:

ClinVar aggregate classification (germline): Uncertain significance (1 of 4 stars; one submission).

Allele frequency attached by ClinVar (database versions not stated): TOPMed below 0.00001.

Submission:

Labcorp Genetics (formerly Invitae), Labcorp
Classification: Uncertain significance. Last evaluated: 2023-10-06. Review status: criteria provided, single submitter. Criteria: Invitae Variant Classification Sherloc (09022015). Collection method: clinical testing. Allele origin: germline.
Comment: This sequence change replaces alanine, which is neutral and non-polar, with valine, which is neutral and non-polar, at codon 199 of the JAK2 protein (p.Ala199Val). This variant is not present in population databases (gnomAD no frequency). This variant has not been reported in the literature in individuals affected with JAK2-related conditions. ClinVar contains an entry for this variant (Variation ID: 1965146). Advanced modeling of protein sequence and biophysical properties (such as structural, functional, and spatial information, amino acid conservation, physicochemical variation, residue mobility, and thermodynamic stability) performed at Invitae indicates that this missense variant is not expected to disrupt JAK2 protein function. In summary, the available evidence is currently insufficient to determine the role of this variant in disease. Therefore, it has been classified as a Variant of Uncertain Significance.

NM_004972.4(JAK2):c.596C>T (p.Ala199Val)

Genes: INSL6 (insulin like 6; minus strand), JAK2 (Janus kinase 2; plus strand). Cytogenetic location: 9p24.1.
Variant type: single nucleotide variant.
Coding change: c.596C>T on transcript NM_004972.4 (MANE Select); coding-DNA position 596, C replaced by T.
Protein change: p.Ala199Val; replaces alanine 199 with valine.
Molecular consequence: missense variant. On other transcripts: 5 prime UTR variant (2), non-coding transcript variant (2).
Genome position (GRCh38, 1-based): chr9:5,050,813, C>T. VCF-style: chr9-5050813-C-T. GRCh37 (hg19) VCF-style: chr9-5050813-C-T.
Other names: c.596C>T, p.Ala199Val (NM_001322194.2, NM_001322195.2, NM_001322196.2); c.-525C>T (NM_001322198.2, NM_001322199.2); c.149C>T, p.Ala50Val (NM_001322204.2); short protein forms A199V, A50V.
Identifiers: ClinVar variation 1965146 (VCV001965146.5), dbSNP rs1429131183, ClinGen allele CA372819096.